The following is an entry in ClinVar:

NM_024884.3(L2HGDH):c.530C>T (p.Pro177Leu)

Gene: L2HGDH (L-2-hydroxyglutarate dehydrogenase; minus strand). Cytogenetic location: 14q21.3.
Variant type: single nucleotide variant.
Coding change: c.530C>T on transcript NM_024884.3 (MANE Select); coding-DNA position 530, C replaced by T.
Protein change: p.Pro177Leu; replaces proline 177 with leucine.
Molecular consequence: missense variant.
Genome position (GRCh38, 1-based): chr14:50,294,125, G>A on the plus strand (C>T on the coding strand, the complement: L2HGDH is on the minus strand). VCF-style: chr14-50294125-G-A. GRCh37 (hg19) VCF-style: chr14-50760843-G-A.
Other names: c.530C>T (NM_024884.2); short protein forms P177L.
Identifiers: ClinVar variation 1522731 (VCV001522731.4), dbSNP rs375943748, ClinGen allele CA7178005.

ClinVar aggregate classification (germline): Uncertain significance. Review status: criteria provided, multiple submitters, no conflicts (2 of 4 stars). 2 submissions from 2 submitters: Uncertain significance (2). Last evaluated 2023-10-20.

Conditions:
Inborn genetic diseases. Identifiers: MedGen C0950123, MeSH D030342.
L-2-hydroxyglutaric aciduria (L2HGA). Identifiers: Orphanet 79314, MedGen C1855995, MONDO:0009370, OMIM 236792, HP:0040144.

Allele frequency attached by ClinVar (database versions not stated): TOPMed 0.00002; ExAC 0.00004; gnomAD exomes 0.00005 and 0.00009; ESP Exome Variant Server 0.00008; gnomAD 0.00001.

Submissions (2):

Ambry Genetics
Classification: Uncertain significance for Inborn genetic diseases. Last evaluated: 2023-10-20. Review status: criteria provided, single submitter. Criteria: Ambry Variant Classification Scheme 2023. Collection method: clinical testing. Allele origin: germline.

Labcorp Genetics (formerly Invitae), Labcorp
Classification: Uncertain significance for L-2-hydroxyglutaric aciduria. Last evaluated: 2022-07-22. Review status: criteria provided, single submitter. Criteria: Invitae Variant Classification Sherloc (09022015). Collection method: clinical testing. Allele origin: germline.
Comment: This sequence change replaces proline, which is neutral and non-polar, with leucine, which is neutral and non-polar, at codon 177 of the L2HGDH protein (p.Pro177Leu). This variant is present in population databases (rs375943748, gnomAD 0.07%). This variant has not been reported in the literature in individuals affected with L2HGDH-related conditions. ClinVar contains an entry for this variant (Variation ID: 1522731). Algorithms developed to predict the effect of missense changes on protein structure and function (SIFT, PolyPhen-2, Align-GVGD) all suggest that this variant is likely to be disruptive. In summary, the available evidence is currently insufficient to determine the role of this variant in disease. Therefore, it has been classified as a Variant of Uncertain Significance.